The following is an entry in ClinVar:

ClinVar aggregate classification (germline): Uncertain significance (1 of 4 stars; one submission).

Conditions:
Mucopolysaccharidosis type 6 (MPS6). Also called: MPS 6; Maroteaux Lamy syndrome; MPS VI; N-ACETYLGALACTOSAMINE-4-SULFATASE DEFICIENCY; ARSB DEFICIENCY; ARYLSULFATASE B DEFICIENCY. Identifiers: Orphanet 583, MedGen C0026709, MONDO:0009661, OMIM 253200.

Allele frequency attached by ClinVar (database versions not stated): TOPMed below 0.00001; gnomAD exomes 0.00002; ExAC 0.00003; 1000 Genomes Project 0.00020; 1000 Genomes Project 30x 0.00031.
gnomAD v4.1: 10 of 1,613,694 alleles (0.00062%); highest among the groups gnomAD compares: Admixed American, 0.012%; no homozygotes.

Submission:

Labcorp Genetics (formerly Invitae), Labcorp
Classification: Uncertain significance for Mucopolysaccharidosis type 6. Last evaluated: 2022-06-13. Review status: criteria provided, single submitter. Criteria: Invitae Variant Classification Sherloc (09022015). Collection method: clinical testing. Allele origin: germline.
Comment: This sequence change replaces valine, which is neutral and non-polar, with leucine, which is neutral and non-polar, at codon 400 of the ARSB protein (p.Val400Leu). This variant is present in population databases (rs570630772, gnomAD 0.01%). This variant has not been reported in the literature in individuals affected with ARSB-related conditions. Advanced modeling of protein sequence and biophysical properties (such as structural, functional, and spatial information, amino acid conservation, physicochemical variation, residue mobility, and thermodynamic stability) performed at Invitae indicates that this missense variant is not expected to disrupt ARSB protein function. In summary, the available evidence is currently insufficient to determine the role of this variant in disease. Therefore, it has been classified as a Variant of Uncertain Significance.

NM_000046.5(ARSB):c.1198G>T (p.Val400Leu)

Gene: ARSB (arylsulfatase B; minus strand). Cytogenetic location: 5q14.1.
Variant type: single nucleotide variant.
Coding change: c.1198G>T on transcript NM_000046.5 (MANE Select); coding-DNA position 1198, G replaced by T.
Protein change: p.Val400Leu; replaces valine 400 with leucine.
Molecular consequence: missense variant.
Genome position (GRCh38, 1-based): chr5:78,839,371, C>A on the plus strand (G>T on the coding strand, the complement: ARSB is on the minus strand). VCF-style: chr5-78839371-C-A. GRCh37 (hg19) VCF-style: chr5-78135194-C-A.
Other names: c.1198G>T, p.Val400Leu (NM_198709.3); short protein forms V400L.
Identifiers: ClinVar variation 1517035 (VCV001517035.5), dbSNP rs570630772, ClinGen allele CA3318085.
Genomic context (GRCh38, chr5:78,839,371, plus strand): 5'-GTGGGCCAATTAGATTTAATCTAGTAGCAATGCACTGGTACTCACACGGTGAAGAGTCCA[C>A]GAAGTTCGGGTCAATATTATGCAGCAGCTCAATTCTGGGGGATGGGCTTCCTTCACTGGA-3'
Protein context (NP_000037.2, residues 390-410): ELLHNIDPNF[Val400Leu]DSSPCPRNSM